The following is an entry in ClinVar:

ClinVar aggregate classification (germline): Uncertain significance. Review status: criteria provided, multiple submitters, no conflicts (2 of 4 stars). 2 submissions from 2 submitters: Uncertain significance (2). Last evaluated 2025-06-11.

Allele frequency attached by ClinVar (database versions not stated): gnomAD 0.00001.

Submissions (2):

Dasa
Classification: Uncertain significance. Last evaluated: 2025-06-11. Review status: criteria provided, single submitter. Criteria: DASA Assertion Criteria. Collection method: clinical testing. Allele origin: germline.
Comment: NM_001791.4(CDC42):c.545C>T (p.Pro182Leu) is a missense variant that results in the substitution of proline with leucine. This variant is rare in population databases. Computational prediction algorithms are consistent with a benign effect. The currently available literature and clinical evidence are not sufficient to establish a definitive association between this variant and the reported condition. Therefore, this variant is classified as a variant of uncertain significance.

Labcorp Genetics (formerly Invitae), Labcorp
Classification: Uncertain significance. Last evaluated: 2023-02-24. Review status: criteria provided, single submitter. Criteria: Invitae Variant Classification Sherloc (09022015). Collection method: clinical testing. Allele origin: germline.
Comment: This variant is present in population databases (no rsID available, gnomAD 0.004%). In summary, the available evidence is currently insufficient to determine the role of this variant in disease. Therefore, it has been classified as a Variant of Uncertain Significance. An algorithm developed to predict the effect of missense changes on protein structure and function (PolyPhen-2) suggests that this variant is likely to be tolerated. This variant has not been reported in the literature in individuals affected with CDC42-related conditions. This sequence change replaces proline, which is neutral and non-polar, with leucine, which is neutral and non-polar, at codon 182 of the CDC42 protein (p.Pro182Leu).

NM_001791.4(CDC42):c.545C>T (p.Pro182Leu)

Gene: CDC42 (cell division cycle 42; plus strand). Cytogenetic location: 1p36.12.
Variant type: single nucleotide variant.
Coding change: c.545C>T on transcript NM_001791.4 (MANE Select); coding-DNA position 545, C replaced by T.
Protein change: p.Pro182Leu; replaces proline 182 with leucine.
Molecular consequence: missense variant.
Genome position (GRCh38, 1-based): chr1:22,091,486, C>T. VCF-style: chr1-22091486-C-T. GRCh37 (hg19) VCF-style: chr1-22417979-C-T.
Other names: c.545C>T, p.Pro182Leu (NM_001039802.2); short protein forms P182L.
Identifiers: ClinVar variation 2970171 (VCV002970171.5), dbSNP rs1240303878, ClinGen allele CA338909762.